The following is an entry in ClinVar:

ClinVar aggregate classification (germline): Conflicting classifications of pathogenicity. Review status: criteria provided, conflicting classifications (1 of 4 stars). 3 submissions from 3 submitters: Uncertain significance (1); Likely benign (1). 1 of the submissions does not count toward it. Last evaluated 2025-02-01.

Conditions:
CAMK2A-related disorder. Also called: CAMK2A-related condition.

Allele frequency attached by ClinVar (database versions not stated): gnomAD 0.00124 and 0.00123; gnomAD exomes 0.00124 and 0.00202; TOPMed 0.00130; ExAC 0.00137; 1000 Genomes Project 30x 0.00078; 1000 Genomes Project 0.00080; ESP Exome Variant Server 0.00115.
gnomAD v4.1: 3,085 of 1,614,144 alleles (0.19%); highest among the groups gnomAD compares: Non-Finnish European, 0.24%; 5 homozygotes.

Submissions (3):

CeGaT Center for Human Genetics Tuebingen
Classification: Likely benign. Last evaluated: 2025-02-01. Review status: criteria provided, single submitter. Criteria: CeGaT Center For Human Genetics Tuebingen Variant Classification Criteria Version 2. Collection method: clinical testing. Allele origin: germline. Affected: yes. Observed: 4 variant alleles.
Comment: CAMK2A: BP4, BP7

Breakthrough Genomics
Classification: Uncertain significance. Review status: criteria provided, single submitter. Criteria: ACMG Guidelines, 2015. Collection method: not provided. Allele origin: germline. Inheritance: Autosomal recessive inheritance. Affected: yes.

PreventionGenetics, part of Exact Sciences
Classification: Likely benign for CAMK2A-related condition. Last evaluated: 2019-06-21. Review status: no assertion criteria provided. Collection method: clinical testing. Allele origin: germline. Not counted in ClinVar's aggregate classification.
Comment: This variant is classified as likely benign based on ACMG/AMP sequence variant interpretation guidelines (Richards et al. 2015 PMID: 25741868, with internal and published modifications).

NM_015981.4(CAMK2A):c.1320C>T (p.Ile440=)

Gene: CAMK2A (calcium/calmodulin dependent protein kinase II alpha; minus strand). Cytogenetic location: 5q32.
Variant type: single nucleotide variant.
Coding change: c.1320C>T on transcript NM_015981.4 (MANE Select); coding-DNA position 1320, C replaced by T.
Protein change: p.Ile440=; no amino-acid change (isoleucine 440 retained).
Molecular consequence: synonymous variant.
Genome position (GRCh38, 1-based): chr5:150,223,135, G>A on the plus strand (C>T on the coding strand, the complement: CAMK2A is on the minus strand). VCF-style: chr5-150223135-G-A. GRCh37 (hg19) VCF-style: chr5-149602698-G-A.
Other names: c.1320C>T, p.Ile440= (NM_001363989.1); c.1287C>T, p.Ile429= (NM_001363990.1, NM_001369025.2, NM_171825.3); c.1320C>T (NM_015981.3).
Identifiers: ClinVar variation 1012531 (VCV001012531.40), dbSNP rs200745191, ClinGen allele CA3509513.
Genomic context (GRCh38, chr5:150,223,135, plus strand): 5'-CGACTGGGCGGTGCGTGGGATGCCGCCAGCGTCCAGGTACTGCGTGATGCGGATGTAGGC[G>A]ATGCAGGCTGACTCGTCGCCCATCAGGTGGATGTGGGGATTCAGGATGGTGGTGTGCACG-3'
Protein context (NP_057065.2, residues 430-450): IHLMGDESAC[Ile440=]AYIRITQYLD